The following is an entry in ClinVar:

ClinVar aggregate classification (germline): Uncertain significance (1 of 4 stars; one submission).

Conditions:
Progressive myoclonic epilepsy type 3. Also called: KCTD7-Related Progressive Myoclonic Epilepsy; EPILEPSY, PROGRESSIVE MYOCLONIC, 3, WITH OR WITHOUT INTRACELLULAR INCLUSIONS; CEROID LIPOFUSCINOSIS, NEURONAL, 14; EPILEPSY, PROGRESSIVE MYOCLONIC, 3, WITHOUT INTRACELLULAR INCLUSIONS. Identifiers: Orphanet 263516, MedGen C2673257, MONDO:0012721, OMIM 611726.

Submission:

Labcorp Genetics (formerly Invitae), Labcorp
Classification: Uncertain significance for Progressive myoclonic epilepsy type 3. Last evaluated: 2022-01-13. Review status: criteria provided, single submitter. Criteria: Invitae Variant Classification Sherloc (09022015). Collection method: clinical testing. Allele origin: germline.
Comment: This variant has not been reported in the literature in individuals affected with KCTD7-related conditions. In summary, the available evidence is currently insufficient to determine the role of this variant in disease. Therefore, it has been classified as a Variant of Uncertain Significance. Variants that disrupt the consensus splice site are a relatively common cause of aberrant splicing (PMID: 17576681, 9536098). Algorithms developed to predict the effect of sequence changes on RNA splicing suggest that this variant may disrupt the consensus splice site. This variant is not present in population databases (gnomAD no frequency). This sequence change falls in intron 3 of the KCTD7 gene. It does not directly change the encoded amino acid sequence of the KCTD7 protein. It affects a nucleotide within the consensus splice site.

Literature cited by the submitters: PubMed 17576681; PubMed 9536098.

NM_153033.5(KCTD7):c.493+3G>C

Gene: KCTD7 (potassium channel tetramerization domain containing 7; plus strand). Cytogenetic location: 7q11.21.
Variant type: single nucleotide variant.
Coding change: c.493+3G>C on transcript NM_153033.5 (MANE Select); 3 bases into the intron after coding-DNA position 493, G replaced by C.
Molecular consequence: intron variant.
Genome position (GRCh38, 1-based): chr7:66,638,434, G>C. VCF-style: chr7-66638434-G-C. GRCh37 (hg19) VCF-style: chr7-66103421-G-C.
Other names: c.493+3G>C (NM_001167961.2).
Identifiers: ClinVar variation 2081839 (VCV002081839.4), dbSNP rs2535250147, ClinGen allele CA2580077322.
Genomic context (GRCh38, chr7:66,638,434, plus strand): 5'-CCACTGAAGGGCGAGAAGGTGCGCCAAGCGTTTCTGGGACTCATGCCCTATTACAAAGGT[G>C]AGGGTCAGCTGCCCAGGATGGTGGGTATGTGGGAGGAGGTCTGCAAGGCATCTGTGAGTG-3'